The following is an entry in ClinVar:

NM_001082486.2(ACD):c.140A>G (p.His47Arg)

Gene: ACD (ACD shelterin complex subunit and telomerase recruitment factor; minus strand). Cytogenetic location: 16q22.1.
Variant type: single nucleotide variant.
Coding change: c.140A>G on transcript NM_001082486.2 (MANE Select); coding-DNA position 140, A replaced by G.
Protein change: p.His47Arg; replaces histidine 47 with arginine.
Molecular consequence: missense variant.
Genome position (GRCh38, 1-based): chr16:67,660,005, T>C on the plus strand (A>G on the coding strand, the complement: ACD is on the minus strand). VCF-style: chr16-67660005-T-C. GRCh37 (hg19) VCF-style: chr16-67693908-T-C.
Other names: c.398A>G (NM_001082486.1); c.140A>G, p.His47Arg (NM_001410884.1); c.131A>G, p.His44Arg (NM_022914.3); short protein forms H44R, H47R.
Identifiers: ClinVar variation 2995231 (VCV002995231.4), dbSNP rs1235862680, ClinGen allele CA396356906.

ClinVar aggregate classification (germline): Conflicting classifications of pathogenicity. Review status: criteria provided, conflicting classifications (1 of 4 stars). 2 submissions from 2 submitters: Uncertain significance (1); Likely benign (1). Last evaluated 2025-06-29.

Conditions:
Dyskeratosis congenita, autosomal dominant 6 (DKCA6). Identifiers: Orphanet 3322, MedGen C4225284, MONDO:0014690, OMIM 616553.
Inborn genetic diseases. Identifiers: MedGen C0950123, MeSH D030342.

Allele frequency attached by ClinVar (database versions not stated): TOPMed below 0.00001; gnomAD 0.00001.
gnomAD v4.1: 1 of 1,607,506 alleles (0.000062%); highest among the groups gnomAD compares: African/African-American, 0.0013%; no homozygotes.

Submissions (2):

Labcorp Genetics (formerly Invitae), Labcorp
Classification: Uncertain significance for Dyskeratosis congenita, autosomal dominant 6. Last evaluated: 2025-06-29. Review status: criteria provided, single submitter. Criteria: Invitae Variant Classification Sherloc (09022015). Collection method: clinical testing. Allele origin: germline.
Comment: This sequence change replaces histidine, which is basic and polar, with arginine, which is basic and polar, at codon 133 of the ACD protein (p.His133Arg). This variant is not present in population databases (gnomAD no frequency). This variant has not been reported in the literature in individuals affected with ACD-related conditions. ClinVar contains an entry for this variant (Variation ID: 2995231). Invitae Evidence Modeling of protein sequence and biophysical properties (such as structural, functional, and spatial information, amino acid conservation, physicochemical variation, residue mobility, and thermodynamic stability) indicates that this missense variant is not expected to disrupt ACD protein function with a negative predictive value of 80%. In summary, the available evidence is currently insufficient to determine the role of this variant in disease. Therefore, it has been classified as a Variant of Uncertain Significance.

Ambry Genetics
Classification: Likely benign for Inborn genetic diseases. Last evaluated: 2024-04-18. Review status: criteria provided, single submitter. Criteria: Ambry Variant Classification Scheme 2023. Collection method: clinical testing. Allele origin: germline.